The following is an entry in ClinVar:

ClinVar aggregate classification (germline): Benign/Likely benign. Review status: criteria provided, multiple submitters, no conflicts (2 of 4 stars). 9 submissions from 9 submitters: Benign (2); Likely benign (5). 2 of the submissions do not count toward it. Last evaluated 2026-03-01.

Conditions:
Dyskeratosis congenita, autosomal recessive 6 (DKCB6). Identifiers: MedGen C4225356, MONDO:0014600, OMIM 616353.
Pulmonary fibrosis and/or bone marrow failure, Telomere-related, 4. Also called: PULMONARY FIBROSIS AND/OR BONE MARROW FAILURE SYNDROME, TELOMERE-RELATED, 4. Identifiers: Orphanet 2032, MedGen C4225347, MONDO:0014612, OMIM 616371.

Allele frequency attached by ClinVar (database versions not stated): 1000 Genomes Project 30x 0.00078; gnomAD exomes 0.00093 and 0.00117; gnomAD 0.00094 and 0.00097; TOPMed 0.00094; 1000 Genomes Project 0.00100; ESP Exome Variant Server 0.00136; ExAC 0.00205.
gnomAD v4.1: 1,641 of 1,445,260 alleles (0.11%); highest among the groups gnomAD compares: Non-Finnish European, 0.14%; 1 homozygote.

Submissions (12):

CeGaT Center for Human Genetics Tuebingen
Classification: Likely benign. Last evaluated: 2026-03-01. Review status: criteria provided, single submitter. Criteria: CeGaT Center For Human Genetics Tuebingen Variant Classification Criteria Version 2. Collection method: clinical testing. Allele origin: germline. Affected: yes. Observed: 3 variant alleles.
Comment: PARN: BP4

Labcorp Genetics (formerly Invitae), Labcorp
Classification: Benign for Dyskeratosis congenita, autosomal recessive 6; Pulmonary fibrosis and/or bone marrow failure, Telomere-related, 4. Last evaluated: 2026-01-25. Review status: criteria provided, single submitter. Criteria: Invitae Variant Classification Sherloc (09022015). Collection method: clinical testing. Allele origin: germline.

Mayo Clinic Laboratories, Mayo Clinic
Classification: Likely benign. Last evaluated: 2025-06-24. Review status: criteria provided, single submitter. Criteria: ACMG Guidelines, 2015. Collection method: clinical testing. Allele origin: germline. Observed: 1 variant allele.
Comment: BS1, BP4, BP7

Laboratory of Genetics, Children's Clinical University Hospital Latvia
Classification: Benign. Last evaluated: 2025-02-16. Review status: criteria provided, single submitter. Criteria: ACMG Guidelines, 2015. Collection method: clinical testing. Allele origin: germline. Affected: yes.

Blueprint Genetics
Classification: Likely benign. Last evaluated: 2024-11-23. Review status: criteria provided, single submitter. Criteria: ACMG Guidelines, 2015. Collection method: clinical testing. Allele origin: germline.

Genetic Services Laboratory, University of Chicago
Classification: Likely benign. Last evaluated: 2020-11-02. Review status: criteria provided, single submitter. Criteria: ACMG Guidelines, 2015. Collection method: clinical testing. Allele origin: germline. Affected: no.

Breakthrough Genomics
Classification: Likely benign. Review status: criteria provided, single submitter. Criteria: ACMG Guidelines, 2015. Collection method: not provided. Allele origin: germline. Inheritance: Autosomal recessive inheritance. Affected: yes.

Clinical Genetics DNA and cytogenetics Diagnostics Lab, Erasmus MC, Erasmus Medical Center
Classification: Likely benign. Review status: no assertion criteria provided. Collection method: clinical testing. Allele origin: germline. Affected: yes. Study: VKGL Data-share Consensus. Not counted in ClinVar's aggregate classification.

Dr. Peter K. Rogan Lab, Western University
No classification provided (evidence only). Condition: Clear cell carcinoma of kidney. Review status: no classification provided. Collection method: in vitro. Allele origin: not applicable. Functional consequence: retained intron. Not counted in ClinVar's aggregate classification.

Dr. Peter K. Rogan Lab, Western University
No classification provided (evidence only). Condition: Sarcoma. Review status: no classification provided. Collection method: in vitro. Allele origin: not applicable. Functional consequence: retained intron. Not counted in ClinVar's aggregate classification.

Dr. Peter K. Rogan Lab, Western University
No classification provided (evidence only). Condition: Ovarian serous cystadenocarcinoma. Review status: no classification provided. Collection method: in vitro. Allele origin: not applicable. Functional consequence: retained intron. Not counted in ClinVar's aggregate classification.

Genome Diagnostics Laboratory, University Medical Center Utrecht
Classification: Likely benign. Review status: no assertion criteria provided. Collection method: clinical testing. Allele origin: germline. Affected: yes. Study: VKGL Data-share Consensus. Not counted in ClinVar's aggregate classification.

NM_002582.4(PARN):c.1263-8T>G

Gene: PARN (poly(A)-specific ribonuclease; minus strand). Cytogenetic location: 16p13.12.
Variant type: single nucleotide variant.
Coding change: c.1263-8T>G on transcript NM_002582.4 (MANE Select); 8 bases into the intron before coding-DNA position 1263, T replaced by G.
Molecular consequence: intron variant.
Genome position (GRCh38, 1-based): chr16:14,555,717, A>C on the plus strand (T>G on the coding strand, the complement: PARN is on the minus strand). VCF-style: chr16-14555717-A-C. GRCh37 (hg19) VCF-style: chr16-14649574-A-C.
Other names: p.?; c.1263-8T>G (LRG_1286t1); c.1080-8T>G (NM_001134477.3); c.1125-8T>G (NM_001242992.2).
Identifiers: ClinVar variation 542672 (VCV000542672.47), dbSNP rs182460499, ClinGen allele CA7912083.